The following is an entry in ClinVar:

ClinVar aggregate classification (germline): Uncertain significance (1 of 4 stars; one submission).

Conditions:
Hereditary cancer-predisposing syndrome. Also called: Tumor predisposition; Neoplastic Syndromes, Hereditary; Hereditary neoplastic syndrome; Hereditary Cancer Syndrome. Identifiers: Orphanet 140162, MedGen C0027672, MeSH D009386, MONDO:0015356.

Submission:

Ambry Genetics
Classification: Uncertain significance for Hereditary cancer-predisposing syndrome. Last evaluated: 2025-08-27. Review status: criteria provided, single submitter. Criteria: Ambry Variant Classification Scheme 2023. Collection method: clinical testing. Allele origin: germline.
Comment: The p.Q45P variant (also known as c.134A>C), located in coding exon 2 of the MUTYH gene, results from an A to C substitution at nucleotide position 134. The glutamine at codon 45 is replaced by proline, an amino acid with similar properties. This amino acid position is conserved. In addition, this alteration is predicted to be tolerated by in silico analysis. Based on the available evidence, the clinical significance of this variant remains unclear.

NM_001048174.2(MUTYH):c.92A>C (p.Gln31Pro)

Gene: MUTYH (mutY DNA glycosylase; minus strand). Cytogenetic location: 1p34.1.
Variant type: single nucleotide variant.
Coding change: c.92A>C on transcript NM_001048174.2 (MANE Select); coding-DNA position 92, A replaced by C.
Protein change: p.Gln31Pro; replaces glutamine 31 with proline.
Molecular consequence: missense variant. On other transcripts: 5 prime UTR variant (7), non-coding transcript variant (7).
Genome position (GRCh38, 1-based): chr1:45,334,414, T>G on the plus strand (A>C on the coding strand, the complement: MUTYH is on the minus strand). VCF-style: chr1-45334414-T-G. GRCh37 (hg19) VCF-style: chr1-45800086-T-G.
Other names: c.92A>C, p.Gln31Pro (NM_001048171.2, NM_001048172.2, NM_001048173.2 and 15 more transcripts); c.134A>C, p.Gln45Pro (NM_001128425.2, NM_001293190.2, NM_001407069.1 and 2 more transcripts); c.-121A>C (NM_001293192.2, NM_001293196.2, NM_001407091.1); c.-180A>C (NM_001350650.2); c.-116A>C (NM_001350651.2, NM_001407082.1); c.-65A>C (NM_001407075.1); c.110A>C, p.Gln37Pro (NM_001407087.1); short protein forms Q37P, Q45P, Q31P.
Identifiers: ClinVar variation 4113191 (VCV004113191.1).